The following is an entry in ClinVar:

NM_001040142.2(SCN2A):c.802C>A (p.Gln268Lys)

Gene: SCN2A (sodium voltage-gated channel alpha subunit 2; plus strand). Cytogenetic location: 2q24.3.
Variant type: single nucleotide variant.
Coding change: c.802C>A on transcript NM_001040142.2 (MANE Select); coding-DNA position 802, C replaced by A.
Protein change: p.Gln268Lys; replaces glutamine 268 with lysine.
Molecular consequence: missense variant.
Genome position (GRCh38, 1-based): chr2:165,310,427, C>A. VCF-style: chr2-165310427-C-A. GRCh37 (hg19) VCF-style: chr2-166166937-C-A.
Other names: c.802C>A, p.Gln268Lys (NM_001040143.2, NM_001371246.1, NM_001371247.1 and 1 more transcripts); short protein forms Q268K.
Identifiers: ClinVar variation 1717256 (VCV001717256.6), dbSNP rs1553567936, ClinGen allele CA349018145.

ClinVar aggregate classification (germline): Uncertain significance (1 of 4 stars; one submission).

Conditions:
Seizures, benign familial infantile, 3 (BFIS3). Also called: CONVULSIONS, BENIGN FAMILIAL INFANTILE, 3; Familial neonatal seizures. Identifiers: Orphanet 140927, Orphanet 306, MedGen C1843140, MONDO:0011904, OMIM 607745.
Developmental and epileptic encephalopathy, 11 (DEE11). Also called: Early infantile epileptic encephalopathy 11. Identifiers: Orphanet 1934, MedGen C3150987, MONDO:0013388, OMIM 613721.

Submission:

Labcorp Genetics (formerly Invitae), Labcorp
Classification: Uncertain significance for Seizures, benign familial infantile, 3; Developmental and epileptic encephalopathy, 11. Last evaluated: 2025-01-06. Review status: criteria provided, single submitter. Criteria: Invitae Variant Classification Sherloc (09022015). Collection method: clinical testing. Allele origin: germline.
Comment: This sequence change replaces glutamine, which is neutral and polar, with lysine, which is basic and polar, at codon 268 of the SCN2A protein (p.Gln268Lys). This variant is not present in population databases (gnomAD no frequency). This variant has not been reported in the literature in individuals affected with SCN2A-related conditions. ClinVar contains an entry for this variant (Variation ID: 1717256). Invitae Evidence Modeling of protein sequence and biophysical properties (such as structural, functional, and spatial information, amino acid conservation, physicochemical variation, residue mobility, and thermodynamic stability) indicates that this missense variant is expected to disrupt SCN2A protein function with a positive predictive value of 95%. In summary, the available evidence is currently insufficient to determine the role of this variant in disease. Therefore, it has been classified as a Variant of Uncertain Significance.